The following is an entry in ClinVar:

ClinVar aggregate classification (germline): Pathogenic. Review status: criteria provided, multiple submitters, no conflicts (2 of 4 stars). 3 submissions from 3 submitters: Pathogenic (3). Last evaluated 2022-11-15.

Conditions:
Fanconi anemia complementation group J. Also called: BRIP1-Related Fanconi Anemia. Identifiers: Orphanet 84, MedGen C1836860, MONDO:0012187, OMIM 609054.
Familial cancer of breast. Also called: BREAST CANCER, FAMILIAL; Hereditary breast cancer; hereditary breast carcinoma. Identifiers: Orphanet 227535, MedGen C0346153, MONDO:0016419, OMIM 114480. Disease mechanism: loss of function.
Hereditary cancer-predisposing syndrome. Also called: Hereditary neoplastic syndrome; Neoplastic Syndromes, Hereditary; Tumor predisposition; Hereditary Cancer Syndrome. Identifiers: Orphanet 140162, MedGen C0027672, MeSH D009386, MONDO:0015356.

Submissions (3):

Labcorp Genetics (formerly Invitae), Labcorp
Classification: Pathogenic for Familial cancer of breast; Fanconi anemia complementation group J. Last evaluated: 2022-11-15. Review status: criteria provided, single submitter. Criteria: Invitae Variant Classification Sherloc (09022015). Collection method: clinical testing. Allele origin: germline.
Comment: This sequence change creates a premature translational stop signal (p.Lys432*) in the BRIP1 gene. It is expected to result in an absent or disrupted protein product. Loss-of-function variants in BRIP1 are known to be pathogenic (PMID: 16116423, 17033622, 21964575). This variant is not present in population databases (gnomAD no frequency). This variant has not been reported in the literature in individuals affected with BRIP1-related conditions. For these reasons, this variant has been classified as Pathogenic. Algorithms developed to predict the effect of sequence changes on RNA splicing suggest that this variant may create or strengthen a splice site. ClinVar contains an entry for this variant (Variation ID: 485458).

Color Diagnostics, LLC DBA Color Health
Classification: Pathogenic for Hereditary cancer-predisposing syndrome. Last evaluated: 2020-01-15. Review status: criteria provided, single submitter. Criteria: ACMG Guidelines, 2015. Collection method: clinical testing. Allele origin: germline.
Comment: This variant changes 1 nucleotide in exon 9 of the BRIP1 gene, creating a premature translation stop signal. This variant is expected to result in an absent or non-functional protein product. This variant has not been identified in the general population by the Genome Aggregation Database (gnomAD). Loss of BRIP1 function is a known mechanism of disease. Based on the available evidence, this variant is classified as Pathogenic.

Ambry Genetics
Classification: Pathogenic for Hereditary cancer-predisposing syndrome. Last evaluated: 2017-07-20. Review status: criteria provided, single submitter. Criteria: Ambry Variant Classification Scheme 2023. Collection method: clinical testing. Allele origin: germline.
Comment: The p.K432* pathogenic mutation (also known as c.1294A>T), located in coding exon 8 of the BRIP1 gene, results from an A to T substitution at nucleotide position 1294. This changes the amino acid from a lysine to a stop codon within coding exon 8. This alteration is expected to result in loss of function by premature protein truncation or nonsense-mediated mRNA decay. As such, this alteration is interpreted as a disease-causing mutation.

Literature cited by the submitters: PubMed 16116423 (cited by Labcorp Genetics (formerly Invitae), Labcorp); PubMed 17033622 (cited by Labcorp Genetics (formerly Invitae), Labcorp); PubMed 21964575 (cited by Labcorp Genetics (formerly Invitae), Labcorp).

NM_032043.3(BRIP1):c.1294A>T (p.Lys432Ter)

Gene: BRIP1 (BRCA1 interacting DNA helicase 1; minus strand). Cytogenetic location: 17q23.2.
Variant type: single nucleotide variant.
Coding change: c.1294A>T on transcript NM_032043.3 (MANE Select); coding-DNA position 1294, A replaced by T.
Protein change: p.Lys432Ter; replaces lysine 432 with a stop codon.
Molecular consequence: nonsense.
Genome position (GRCh38, 1-based): chr17:61,799,146, T>A on the plus strand (A>T on the coding strand, the complement: BRIP1 is on the minus strand). VCF-style: chr17-61799146-T-A. GRCh37 (hg19) VCF-style: chr17-59876507-T-A.
Other names: short protein forms K432*.
Identifiers: ClinVar variation 485458 (VCV000485458.12), dbSNP rs1555607070, ClinGen allele CA400483503.